The following is an entry in ClinVar:

NM_005188.4(CBL):c.1495C>A (p.Arg499=)

Gene: CBL (Cbl proto-oncogene; plus strand). Cytogenetic location: 11q23.3.
Variant type: single nucleotide variant.
Coding change: c.1495C>A on transcript NM_005188.4 (MANE Select); coding-DNA position 1495, C replaced by A.
Protein change: p.Arg499=; no amino-acid change (arginine 499 retained).
Molecular consequence: synonymous variant.
Genome position (GRCh38, 1-based): chr11:119,285,032, C>A. VCF-style: chr11-119285032-C-A. GRCh37 (hg19) VCF-style: chr11-119155742-C-A.
Identifiers: ClinVar variation 386151 (VCV000386151.11), dbSNP rs778927765, ClinGen allele CA6318540.

ClinVar aggregate classification (germline): Likely benign. Review status: criteria provided, multiple submitters, no conflicts (2 of 4 stars). 3 submissions from 3 submitters: Likely benign (3). Last evaluated 2025-12-22.

Conditions:
Cardiovascular phenotype. Identifiers: MedGen CN230736.
RASopathy. Also called: Noonan spectrum disorder; rasopathies. Identifiers: Orphanet 536391, MedGen C5555857, MONDO:0021060.

Allele frequency attached by ClinVar (database versions not stated): ExAC 0.00003; gnomAD 0.00003; TOPMed 0.00003; gnomAD exomes 0.00004.
gnomAD v4.1: 15 of 1,614,088 alleles (0.00093%); highest among the groups gnomAD compares: Admixed American, 0.023%; no homozygotes.

Submissions (3):

Labcorp Genetics (formerly Invitae), Labcorp
Classification: Likely benign for RASopathy. Last evaluated: 2025-12-22. Review status: criteria provided, single submitter. Criteria: Invitae Variant Classification Sherloc (09022015). Collection method: clinical testing. Allele origin: germline.

Ambry Genetics
Classification: Likely benign for Cardiovascular phenotype. Last evaluated: 2022-10-27. Review status: criteria provided, single submitter. Criteria: Ambry Variant Classification Scheme 2023. Collection method: clinical testing. Allele origin: germline.

GeneDx
Classification: Likely benign. Last evaluated: 2016-05-12. Review status: criteria provided, single submitter. Criteria: GeneDx Variant Classification (06012015). Collection method: clinical testing. Allele origin: germline. Affected: yes.
Comment: This variant is considered likely benign or benign based on one or more of the following criteria: it is a conservative change, it occurs at a poorly conserved position in the protein, it is predicted to be benign by multiple in silico algorithms, and/or has population frequency not consistent with disease.